The following is an entry in ClinVar:

NM_001080517.3(SETD5):c.3638C>G (p.Ala1213Gly)

Gene: SETD5 (SET domain containing 5; plus strand). Cytogenetic location: 3p25.3.
Variant type: single nucleotide variant.
Coding change: c.3638C>G on transcript NM_001080517.3 (MANE Select); coding-DNA position 3638, C replaced by G.
Protein change: p.Ala1213Gly; replaces alanine 1213 with glycine.
Molecular consequence: missense variant.
Genome position (GRCh38, 1-based): chr3:9,475,074, C>G. VCF-style: chr3-9475074-C-G. GRCh37 (hg19) VCF-style: chr3-9516758-C-G.
Other names: c.3344C>G, p.Ala1115Gly (NM_001292043.2, NM_001349451.2); short protein forms A1115G, A1213G.
Identifiers: ClinVar variation 2000793 (VCV002000793.4), dbSNP rs2473957146, ClinGen allele CA351689827.

ClinVar aggregate classification (germline): Uncertain significance (1 of 4 stars; one submission).

Submission:

Labcorp Genetics (formerly Invitae), Labcorp
Classification: Uncertain significance. Last evaluated: 2022-05-29. Review status: criteria provided, single submitter. Criteria: Invitae Variant Classification Sherloc (09022015). Collection method: clinical testing. Allele origin: germline.
Comment: This sequence change replaces alanine, which is neutral and non-polar, with glycine, which is neutral and non-polar, at codon 1213 of the SETD5 protein (p.Ala1213Gly). This variant is not present in population databases (gnomAD no frequency). This variant has not been reported in the literature in individuals affected with SETD5-related conditions. Algorithms developed to predict the effect of missense changes on protein structure and function (SIFT, PolyPhen-2, Align-GVGD) all suggest that this variant is likely to be tolerated. In summary, the available evidence is currently insufficient to determine the role of this variant in disease. Therefore, it has been classified as a Variant of Uncertain Significance.